The following is an entry in ClinVar:

NM_015650.4(TRAF3IP1):c.2017A>G (p.Lys673Glu)

Gene: TRAF3IP1 (TRAF3 interacting protein 1; plus strand). Cytogenetic location: 2q37.3.
Variant type: single nucleotide variant.
Coding change: c.2017A>G on transcript NM_015650.4 (MANE Select); coding-DNA position 2017, A replaced by G.
Protein change: p.Lys673Glu; replaces lysine 673 with glutamic acid.
Molecular consequence: missense variant.
Genome position (GRCh38, 1-based): chr2:238,398,860, A>G. VCF-style: chr2-238398860-A-G. GRCh37 (hg19) VCF-style: chr2-239307501-A-G.
Other names: c.1819A>G, p.Lys607Glu (NM_001139490.1); short protein forms K607E, K673E.
Identifiers: ClinVar variation 2054277 (VCV002054277.2), dbSNP rs1701358312, ClinGen allele CA351247252.

ClinVar aggregate classification (germline): Uncertain significance (1 of 4 stars; one submission).

Allele frequency attached by ClinVar (database versions not stated): gnomAD exomes below 0.00001; TOPMed 0.00002.
gnomAD v4.1: 1 of 1,613,346 alleles (0.000062%); highest among the groups gnomAD compares: African/African-American, 0.0013%; no homozygotes.

Submission:

Labcorp Genetics (formerly Invitae), Labcorp
Classification: Uncertain significance. Last evaluated: 2023-12-18. Review status: criteria provided, single submitter. Criteria: Invitae Variant Classification Sherloc (09022015). Collection method: clinical testing. Allele origin: germline.
Comment: This sequence change replaces lysine, which is basic and polar, with glutamic acid, which is acidic and polar, at codon 673 of the TRAF3IP1 protein (p.Lys673Glu). This variant is not present in population databases (gnomAD no frequency). This variant has not been reported in the literature in individuals affected with TRAF3IP1-related conditions. ClinVar contains an entry for this variant (Variation ID: 2054277). Advanced modeling of protein sequence and biophysical properties (such as structural, functional, and spatial information, amino acid conservation, physicochemical variation, residue mobility, and thermodynamic stability) performed at Invitae indicates that this missense variant is not expected to disrupt TRAF3IP1 protein function with a negative predictive value of 80%. In summary, the available evidence is currently insufficient to determine the role of this variant in disease. Therefore, it has been classified as a Variant of Uncertain Significance.